The following is an entry in ClinVar:

NM_000102.4(CYP17A1):c.32C>T (p.Thr11Ile)

Gene: CYP17A1 (cytochrome P450 family 17 subfamily A member 1; minus strand). Cytogenetic location: 10q24.32.
Variant type: single nucleotide variant.
Coding change: c.32C>T on transcript NM_000102.4 (MANE Select); coding-DNA position 32, C replaced by T.
Protein change: p.Thr11Ile; replaces threonine 11 with isoleucine.
Molecular consequence: missense variant.
Genome position (GRCh38, 1-based): chr10:102,837,330, G>A on the plus strand (C>T on the coding strand, the complement: CYP17A1 is on the minus strand). VCF-style: chr10-102837330-G-A. GRCh37 (hg19) VCF-style: chr10-104597087-G-A.
Other names: short protein forms T11I.
Identifiers: ClinVar variation 713245 (VCV000713245.15), dbSNP rs72559703, ClinGen allele CA5669661.
Genomic context (GRCh38, chr10:102,837,330, plus strand): 5'-AGGCTCTTGGGGTACTTGGCACCAGGGCACCTTCTCTTGGGCCAAAACAAATAAGCTAGG[G>A]TAAGCAGCAAGAGAGCCACGAGCTCCCACATGGTGGCTGGGTGCCGGCAGGCAAGATAGA-3'
Protein context (NP_000093.1, residues 1-21): MWELVALLLL[Thr11Ile]LAYLFWPKRR

ClinVar aggregate classification (germline): Likely benign. Review status: criteria provided, multiple submitters, no conflicts (2 of 4 stars). 4 submissions from 4 submitters: Likely benign (2). 2 of the submissions do not count toward it. Last evaluated 2026-02-01.

Conditions:
Deficiency of steroid 17-alpha-monooxygenase. Also called: ADRENAL HYPERPLASIA V; Congenital adrenal hyperplasia due to 17-alpha-hydroxylase deficiency; Congenital adrenal hyperplasia type 5; 17-ALPHA-HYDROXYLASE DEFICIENCY; 17-alpha-hydroxylase/17,20-lyase deficiency. Identifiers: Orphanet 90793, MedGen C0268285, MONDO:0008730, OMIM 202110.
CYP17A1-related disorder. Also called: CYP17A1-related condition.

Allele frequency attached by ClinVar (database versions not stated): gnomAD 0.00009 and 0.00013; TOPMed 0.00012; gnomAD exomes 0.00028; ExAC 0.00031; 1000 Genomes Project 30x 0.00094; 1000 Genomes Project 0.00100.
gnomAD v4.1: 100 of 1,612,686 alleles (0.0062%); highest among the groups gnomAD compares: East Asian, 0.15%; 1 homozygote.

Submissions (4):

Labcorp Genetics (formerly Invitae), Labcorp
Classification: Likely benign. Last evaluated: 2026-02-01. Review status: criteria provided, single submitter. Criteria: Invitae Variant Classification Sherloc (09022015). Collection method: clinical testing. Allele origin: germline.

Fulgent Genetics
Classification: Likely benign for Deficiency of steroid 17-alpha-monooxygenase. Last evaluated: 2021-11-19. Review status: criteria provided, single submitter. Criteria: ACMG Guidelines, 2015. Collection method: clinical testing. Allele origin: unknown.

PreventionGenetics, part of Exact Sciences
Classification: Likely benign for CYP17A1-related condition. Last evaluated: 2022-04-14. Review status: no assertion criteria provided. Collection method: clinical testing. Allele origin: germline. Not counted in ClinVar's aggregate classification.
Comment: This variant is classified as likely benign based on ACMG/AMP sequence variant interpretation guidelines (Richards et al. 2015 PMID: 25741868, with internal and published modifications).

Natera, Inc.
Classification: Likely benign for Deficiency of steroid 17-alpha-monooxygenase. Last evaluated: 2020-01-23. Review status: no assertion criteria provided. Collection method: clinical testing. Allele origin: germline. Not counted in ClinVar's aggregate classification.